The following is an entry in ClinVar:

ClinVar aggregate classification (germline): Uncertain significance. Review status: criteria provided, multiple submitters, no conflicts (2 of 4 stars). 3 submissions from 3 submitters: Uncertain significance (3). Last evaluated 2025-08-12.

Conditions:
Inborn genetic diseases. Identifiers: MedGen C0950123, MeSH D030342.
Combined immunodeficiency due to STIM1 deficiency. Also called: STIM1 DEFICIENCY; IMMUNODEFICIENCY 10. Identifiers: Orphanet 169090, Orphanet 317430, MedGen C2748557, MONDO:0013008, OMIM 612783.
Myopathy with tubular aggregates (TAM). Also called: Tubular Aggregate Myopathy. Identifiers: Orphanet 2593, MedGen C0410207, MONDO:0008051.
Stormorken syndrome (STRMK). Also called: THROMBOCYTOPATHY, ASPLENIA, AND MIOSIS. Identifiers: Orphanet 3204, MedGen C1861451, MONDO:0008497, OMIM 185070.

Allele frequency attached by ClinVar (database versions not stated): gnomAD 0.00001; gnomAD exomes 0.00001; TOPMed 0.00002.

Submissions (3):

Ambry Genetics
Classification: Uncertain significance for Inborn genetic diseases. Last evaluated: 2025-08-12. Review status: criteria provided, single submitter. Criteria: Ambry Variant Classification Scheme 2023. Collection method: clinical testing. Allele origin: germline.

Mayo Clinic Laboratories, Mayo Clinic
Classification: Uncertain significance. Last evaluated: 2025-07-16. Review status: criteria provided, single submitter. Criteria: ACMG Guidelines, 2015. Collection method: clinical testing. Allele origin: germline. Observed: 2 variant alleles.
Comment: BP4_moderate

Labcorp Genetics (formerly Invitae), Labcorp
Classification: Uncertain significance for Myopathy with tubular aggregates; Combined immunodeficiency due to STIM1 deficiency; Stormorken syndrome. Last evaluated: 2024-04-11. Review status: criteria provided, single submitter. Criteria: Invitae Variant Classification Sherloc (09022015). Collection method: clinical testing. Allele origin: germline.
Comment: This sequence change replaces alanine, which is neutral and non-polar, with valine, which is neutral and non-polar, at codon 603 of the STIM1 protein (p.Ala603Val). This variant is present in population databases (rs749622475, gnomAD 0.01%). This variant has not been reported in the literature in individuals affected with STIM1-related conditions. ClinVar contains an entry for this variant (Variation ID: 864286). Algorithms developed to predict the effect of missense changes on protein structure and function output the following: SIFT: "Not Available"; PolyPhen-2: "Benign"; Align-GVGD: "Not Available". The valine amino acid residue is found in multiple mammalian species, which suggests that this missense change does not adversely affect protein function. In summary, the available evidence is currently insufficient to determine the role of this variant in disease. Therefore, it has been classified as a Variant of Uncertain Significance.

NM_001382567.1(STIM1):c.1901C>T (p.Ala634Val)

Genes: STIM1 (stromal interaction molecule 1; plus strand), LOC124418421 (Sharpr-MPRA regulatory region 9588; plus strand). Cytogenetic location: 11p15.4.
Variant type: single nucleotide variant.
Coding change: c.1901C>T on transcript NM_001382567.1 (MANE Select); coding-DNA position 1901, C replaced by T.
Protein change: p.Ala634Val; replaces alanine 634 with valine.
Molecular consequence: missense variant. On other transcripts: 3 prime UTR variant (4), non-coding transcript variant (3).
Genome position (GRCh38, 1-based): chr11:4,091,548, C>T. VCF-style: chr11-4091548-C-T. GRCh37 (hg19) VCF-style: chr11-4112778-C-T.
Other names: p.Ala603Val; c.2126C>T, p.Ala709Val (NM_001277961.3); c.*222C>T (NM_001277962.2, NM_001382578.1, NM_001382579.1 and 1 more transcripts); c.1904C>T, p.Ala635Val (NM_001382566.1); c.1829C>T, p.Ala610Val (NM_001382568.1); c.1673C>T, p.Ala558Val (NM_001382569.1); c.1580C>T, p.Ala527Val (NM_001382570.1); c.1328C>T, p.Ala443Val (NM_001382571.1); and 3 more; short protein forms A709V, A603V, A440V, A443V, A527V, A529V, A558V, A610V.
Identifiers: ClinVar variation 864286 (VCV000864286.14), dbSNP rs749622475, ClinGen allele CA5830633.